The following is an entry in ClinVar:

NM_183357.3(ADCY5):c.1142C>G (p.Ser381Cys)

Gene: ADCY5 (adenylate cyclase 5; minus strand). Cytogenetic location: 3q21.1.
Variant type: single nucleotide variant.
Coding change: c.1142C>G on transcript NM_183357.3 (MANE Select); coding-DNA position 1142, C replaced by G.
Protein change: p.Ser381Cys; replaces serine 381 with cysteine.
Molecular consequence: missense variant.
Genome position (GRCh38, 1-based): chr3:123,352,574, G>C on the plus strand (C>G on the coding strand, the complement: ADCY5 is on the minus strand). VCF-style: chr3-123352574-G-C. GRCh37 (hg19) VCF-style: chr3-123071421-G-C.
Other names: c.92C>G, p.Ser31Cys (NM_001199642.1); c.1142C>G, p.Ser381Cys (NM_001378259.1); short protein forms S31C, S381C.
Identifiers: ClinVar variation 1300697 (VCV001300697.9), dbSNP rs776702774, ClinGen allele CA2577537.

ClinVar aggregate classification (germline): Uncertain significance. Review status: criteria provided, multiple submitters, no conflicts (2 of 4 stars). 2 submissions from 2 submitters: Uncertain significance (2). Last evaluated 2026-01-31.

Allele frequency attached by ClinVar (database versions not stated): ExAC 0.00001; gnomAD 0.00002; gnomAD exomes 0.00002; TOPMed 0.00002.
gnomAD v4.1: 29 of 1,610,336 alleles (0.0018%); highest among the groups gnomAD compares: Admixed American, 0.0033%; no homozygotes.

Submissions (2):

GeneDx
Classification: Uncertain significance. Last evaluated: 2026-01-31. Review status: criteria provided, single submitter. Criteria: GeneDx Variant Classification Process June 2021. Collection method: clinical testing. Allele origin: germline. Affected: yes.
Comment: Not observed at significant frequency in large population cohorts (gnomAD); In silico analysis suggests that this missense variant does not alter protein structure/function; Has not been previously published as pathogenic or benign to our knowledge

Labcorp Genetics (formerly Invitae), Labcorp
Classification: Uncertain significance. Last evaluated: 2024-10-02. Review status: criteria provided, single submitter. Criteria: Invitae Variant Classification Sherloc (09022015). Collection method: clinical testing. Allele origin: germline.
Comment: This sequence change replaces serine, which is neutral and polar, with cysteine, which is neutral and slightly polar, at codon 381 of the ADCY5 protein (p.Ser381Cys). This variant is present in population databases (rs776702774, gnomAD 0.003%). This missense change has been observed in individual(s) with dystonia (internal data). ClinVar contains an entry for this variant (Variation ID: 1300697). Invitae Evidence Modeling of protein sequence and biophysical properties (such as structural, functional, and spatial information, amino acid conservation, physicochemical variation, residue mobility, and thermodynamic stability) has been performed for this missense variant. However, the output from this modeling did not meet the statistical confidence thresholds required to predict the impact of this variant on ADCY5 protein function. In summary, the available evidence is currently insufficient to determine the role of this variant in disease. Therefore, it has been classified as a Variant of Uncertain Significance.